The following is an entry in ClinVar:

ClinVar aggregate classification (germline): Uncertain significance (1 of 4 stars; one submission).

Allele frequency attached by ClinVar (database versions not stated): gnomAD exomes below 0.00001.
gnomAD v4.1: 1 of 1,613,990 alleles (0.000062%); highest among the groups gnomAD compares: Non-Finnish European, 0.000085%; no homozygotes.

Submission:

Ambry Genetics
Classification: Uncertain significance. Last evaluated: 2022-04-22. Review status: criteria provided, single submitter. Criteria: Ambry Variant Classification Scheme 2023. Collection method: clinical testing. Allele origin: germline.
Comment: The p.R1246Q variant (also known as c.3737G>A), located in coding exon 34 of the KIF1B gene, results from a G to A substitution at nucleotide position 3737. The arginine at codon 1246 is replaced by glutamine, an amino acid with highly similar properties. This amino acid position is conserved. In addition, this alteration is predicted to be deleterious by in silico analysis. Since supporting evidence is limited at this time, the clinical significance of this alteration remains unclear.

NM_001365951.3(KIF1B):c.3875G>A (p.Arg1292Gln)

Gene: KIF1B (kinesin family member 1B; plus strand). Cytogenetic location: 1p36.22.
Variant type: single nucleotide variant.
Coding change: c.3875G>A on transcript NM_001365951.3 (MANE Select); coding-DNA position 3875, G replaced by A.
Protein change: p.Arg1292Gln; replaces arginine 1292 with glutamine.
Molecular consequence: missense variant.
Genome position (GRCh38, 1-based): chr1:10,348,659, G>A. VCF-style: chr1-10348659-G-A. GRCh37 (hg19) VCF-style: chr1-10408717-G-A.
Other names: c.3875G>A, p.Arg1292Gln (NM_001365952.1); c.3737G>A, p.Arg1246Gln (NM_015074.3); short protein forms R1246Q, R1292Q.
Identifiers: ClinVar variation 1734434 (VCV001734434.2), dbSNP rs2521798575, ClinGen allele CA338343522.